The following is an entry in ClinVar:

ClinVar aggregate classification (germline): Pathogenic (1 of 4 stars; one submission).

Conditions:
Hereditary sensory and autonomic neuropathy type 6. Also called: HSAN VI; Neuropathy, hereditary sensory and autonomic, type VI. Identifiers: Orphanet 314381, MedGen C3539003, MONDO:0013839, OMIM 614653.
Epidermolysis bullosa simplex 3, localized or generalized intermediate, with BP230 deficiency (EBS3). Also called: Epidermolysis bullosa simplex, autosomal recessive 2; Epidermolysis bullosa simplex due to BP230 deficiency. Identifiers: Orphanet 412181, MedGen C3809470, MONDO:0014180, OMIM 615425.

Submission:

Labcorp Genetics (formerly Invitae), Labcorp
Classification: Pathogenic for Epidermolysis bullosa simplex 3, localized or generalized intermediate, with BP230 deficiency; Hereditary sensory and autonomic neuropathy type 6. Last evaluated: 2023-07-03. Review status: criteria provided, single submitter. Criteria: Invitae Variant Classification Sherloc (09022015). Collection method: clinical testing. Allele origin: germline.
Comment: For these reasons, this variant has been classified as Pathogenic. This variant has not been reported in the literature in individuals affected with DST-related conditions. This variant is not present in population databases (gnomAD no frequency). This sequence change creates a premature translational stop signal (p.Glu1516Argfs*20) in the DST gene. It is expected to result in an absent or disrupted protein product. Loss-of-function variants in DST are known to be pathogenic (PMID: 22522446, 25059916, 30371979).

Literature cited by the submitters: PubMed 22522446; PubMed 25059916; PubMed 30371979.

NM_001723.7(DST):c.4545dup (p.Glu1516fs)

Gene: DST (dystonin; minus strand). Cytogenetic location: 6p12.1.
Variant type: Duplication.
Coding change: c.4545dup on transcript NM_001723.7 (MANE Plus Clinical); coding-DNA position 4545, one base duplicated (A; older notation c.4545dupA).
Protein change: p.Glu1516fs; shifts the reading frame from glutamic acid 1516.
Molecular consequence: frameshift variant. On other transcripts: intron variant (10).
Genome position (GRCh38, 1-based): chr6:56,619,489, T duplicated on the plus strand (A on the coding strand, the reverse complement: DST is on the minus strand); the first of 3 consecutive T bases (chr6:56,619,489-56,619,491); duplicating any one gives the same sequence. VCF-style (leftmost placement, unchanged base first): chr6-56619488-C-CT. GRCh37 (hg19) VCF-style: chr6-56484286-C-CT.
Other names: c.4831-5005dup (NM_001144769.5); c.4930-5005dup (NM_001374722.1, NM_001374736.1); c.4957-5005dup (NM_001374734.1); c.4417-5005dup (NM_001144770.2); c.4297-5005dup (NM_001374730.1, NM_001386100.1, NM_183380.4 and 1 more transcripts); c.3319-5005dup (NM_015548.5); short protein forms E1516fs.
Identifiers: ClinVar variation 2928393 (VCV002928393.3), dbSNP rs2536710992, ClinGen allele CA2578655431.